The following is an entry in ClinVar:

NM_014244.5(ADAMTS2):c.91_92insAGAGAAG (p.Pro31fs)

Gene: ADAMTS2 (ADAM metallopeptidase with thrombospondin type 1 motif 2; minus strand). Cytogenetic location: 5q35.3.
Variant type: Insertion.
Coding change: c.91_92insAGAGAAG on transcript NM_014244.5 (MANE Select); coding-DNA positions 91 to 92, AGAGAAG inserted.
Protein change: p.Pro31fs; shifts the reading frame from proline 31.
Molecular consequence: frameshift variant.
Genome position: GRCh38 VCF-style: chr5-179345237-G-GCTTCTCT. GRCh37 (hg19) VCF-style: chr5-178772238-G-GCTTCTCT.
Other names: c.91_92insAGAGAAG, p.Pro31fs (NM_021599.4); short protein forms P31fs.
Identifiers: ClinVar variation 5010966 (VCV005010966.1).

ClinVar aggregate classification (germline): Pathogenic (1 of 4 stars; one submission).

Conditions:
Ehlers-Danlos syndrome, dermatosparaxis type. Also called: EDS VIIC; Dermatosparaxis; Ehlers-Danlos syndrome, type VII, autosomal recessive. Identifiers: Orphanet 1901, MedGen C2700425, MONDO:0009161, OMIM 225410.

Submission:

Myriad Genetics, Inc.
Classification: Pathogenic for Ehlers-Danlos syndrome, dermatosparaxis type. Last evaluated: 2024-05-14. Review status: criteria provided, single submitter. Criteria: Myriad Autosomal Dominant, Autosomal Recessive and X-Linked Classification Criteria (2023). Collection method: clinical testing. Allele origin: unknown.
Comment: NM_014244.4(ADAMTS2):c.91_92ins7(P31Qfs*37) is expected to be pathogenic in the context of Ehlers-Danlos syndrome, ADAMTS2-related. This variant is predicted to lead to an abnormal or absent protein product due to the creation of a premature termination codon in ADAMTS2, a gene where loss-of-function variants are known to be pathogenic. Please note: this variant was assessed in the context of healthy population screening.